The following is an entry in ClinVar:

ClinVar aggregate classification (germline): Uncertain significance. Review status: criteria provided, multiple submitters, no conflicts (2 of 4 stars). 2 submissions from 2 submitters: Uncertain significance (2). Last evaluated 2026-04-22.

Conditions:
Hereditary cancer-predisposing syndrome. Also called: Tumor predisposition; Hereditary neoplastic syndrome; Neoplastic Syndromes, Hereditary; Hereditary Cancer Syndrome. Identifiers: Orphanet 140162, MedGen C0027672, MeSH D009386, MONDO:0015356.

Submissions (2):

Ambry Genetics
Classification: Uncertain significance for Hereditary cancer-predisposing syndrome. Last evaluated: 2026-04-22. Review status: criteria provided, single submitter. Criteria: Ambry Variant Classification Scheme 2023. Collection method: clinical testing. Allele origin: germline.
Comment: The p.A128S variant (also known as c.382G>T), located in coding exon 1 of the HOXB13 gene, results from a G to T substitution at nucleotide position 382. The alanine at codon 128 is replaced by serine, an amino acid with similar properties. This amino acid position is conserved. In addition, the in silico prediction for this alteration is inconclusive. Based on the available evidence, the clinical significance of this variant remains unclear.

Labcorp Genetics (formerly Invitae), Labcorp
Classification: Uncertain significance. Last evaluated: 2023-12-11. Review status: criteria provided, single submitter. Criteria: Invitae Variant Classification Sherloc (09022015). Collection method: clinical testing. Allele origin: germline.
Comment: This sequence change replaces alanine, which is neutral and non-polar, with serine, which is neutral and polar, at codon 128 of the HOXB13 protein (p.Ala128Ser). This variant is not present in population databases (gnomAD no frequency). This variant has not been reported in the literature in individuals affected with HOXB13-related conditions. Advanced modeling of protein sequence and biophysical properties (such as structural, functional, and spatial information, amino acid conservation, physicochemical variation, residue mobility, and thermodynamic stability) performed at Invitae indicates that this missense variant is not expected to disrupt HOXB13 protein function with a negative predictive value of 80%. In summary, the available evidence is currently insufficient to determine the role of this variant in disease. Therefore, it has been classified as a Variant of Uncertain Significance.

NM_006361.6(HOXB13):c.382G>T (p.Ala128Ser)

Gene: HOXB13 (homeobox B13; minus strand). Cytogenetic location: 17q21.32.
Variant type: single nucleotide variant.
Coding change: c.382G>T on transcript NM_006361.6 (MANE Select); coding-DNA position 382, G replaced by T.
Protein change: p.Ala128Ser; replaces alanine 128 with serine.
Molecular consequence: missense variant.
Genome position (GRCh38, 1-based): chr17:48,728,212, C>A on the plus strand (G>T on the coding strand, the complement: HOXB13 is on the minus strand). VCF-style: chr17-48728212-C-A. GRCh37 (hg19) VCF-style: chr17-46805574-C-A.
Other names: short protein forms A128S.
Identifiers: ClinVar variation 2702164 (VCV002702164.4), dbSNP rs2143072447, ClinGen allele CA400107574.
Genomic context (GRCh38, chr17:48,728,212, plus strand): 5'-CAGACACGTCCAGGTAACTGGCCATAGGCTGGTAGGTTCCCGGATATCCCGGATAGAAGG[C>A]AAACTCAGTGGGGCGGCTGGGGTACTCTTCCCCGGCCGTGGGAGTCTCCGCGGGGTACGC-3'
Protein context (NP_006352.2, residues 118-138): EEYPSRPTEF[Ala128Ser]FYPGYPGTYQ